The following is an entry in ClinVar:

ClinVar aggregate classification (germline): Likely benign (1 of 4 stars; one submission).

Allele frequency attached by ClinVar (database versions not stated): gnomAD exomes 0.00009; ExAC 0.00028; 1000 Genomes Project 0.00100; gnomAD 0.00100; 1000 Genomes Project 30x 0.00125; TOPMed 0.00126; ESP Exome Variant Server 0.00132.
gnomAD v4.1: 288 of 1,614,172 alleles (0.018%); highest among the groups gnomAD compares: African/African-American, 0.35%; no homozygotes.

Submission:

CeGaT Center for Human Genetics Tuebingen
Classification: Likely benign. Last evaluated: 2023-09-01. Review status: criteria provided, single submitter. Criteria: CeGaT Center For Human Genetics Tuebingen Variant Classification Criteria Version 2. Collection method: clinical testing. Allele origin: germline. Affected: yes. Observed: 1 variant allele.
Comment: KNSTRN: BP4, BP7

NM_033286.4(KNSTRN):c.549A>G (p.Glu183=)

Gene: KNSTRN (kinetochore localized astrin (SPAG5) binding protein; plus strand). Cytogenetic location: 15q15.1.
Variant type: single nucleotide variant.
Coding change: c.549A>G on transcript NM_033286.4 (MANE Select); coding-DNA position 549, A replaced by G.
Protein change: p.Glu183=; no amino-acid change (glutamic acid 183 retained).
Molecular consequence: synonymous variant.
Genome position (GRCh38, 1-based): chr15:40,389,569, A>G. VCF-style: chr15-40389569-A-G. GRCh37 (hg19) VCF-style: chr15-40681770-A-G.
Other names: c.549A>G, p.Glu183= (NM_001142761.1, NM_001142762.1).
Identifiers: ClinVar variation 2645171 (VCV002645171.24), dbSNP rs144014571, ClinGen allele CA7480244.